The following is an entry in ClinVar:

ClinVar aggregate classification (germline): Uncertain significance. Review status: criteria provided, multiple submitters, no conflicts (2 of 4 stars). 2 submissions from 2 submitters: Uncertain significance (2). Last evaluated 2024-07-16.

Conditions:
Inborn genetic diseases. Identifiers: MedGen C0950123, MeSH D030342.

Allele frequency attached by ClinVar (database versions not stated): gnomAD exomes below 0.00001; TOPMed 0.00001.
gnomAD v4.1: 2 of 1,555,524 alleles (0.00013%); highest among the groups gnomAD compares: Non-Finnish European, 0.00017%; no homozygotes.

Submissions (2):

Ambry Genetics
Classification: Uncertain significance for Inborn genetic diseases. Last evaluated: 2024-07-16. Review status: criteria provided, single submitter. Criteria: Ambry Variant Classification Scheme 2023. Collection method: clinical testing. Allele origin: germline.

Labcorp Genetics (formerly Invitae), Labcorp
Classification: Uncertain significance. Last evaluated: 2023-10-05. Review status: criteria provided, single submitter. Criteria: Invitae Variant Classification Sherloc (09022015). Collection method: clinical testing. Allele origin: germline.
Comment: This sequence change replaces threonine, which is neutral and polar, with alanine, which is neutral and non-polar, at codon 511 of the CACNA1G protein (p.Thr511Ala). This variant is not present in population databases (gnomAD no frequency). This variant has not been reported in the literature in individuals affected with CACNA1G-related conditions. ClinVar contains an entry for this variant (Variation ID: 1938414). Advanced modeling of protein sequence and biophysical properties (such as structural, functional, and spatial information, amino acid conservation, physicochemical variation, residue mobility, and thermodynamic stability) performed at Invitae indicates that this missense variant is not expected to disrupt CACNA1G protein function. In summary, the available evidence is currently insufficient to determine the role of this variant in disease. Therefore, it has been classified as a Variant of Uncertain Significance.

NM_018896.5(CACNA1G):c.1531A>G (p.Thr511Ala)

Gene: CACNA1G (calcium voltage-gated channel subunit alpha1 G; plus strand). Cytogenetic location: 17q21.33.
Variant type: single nucleotide variant.
Coding change: c.1531A>G on transcript NM_018896.5 (MANE Select); coding-DNA position 1531, A replaced by G.
Protein change: p.Thr511Ala; replaces threonine 511 with alanine.
Molecular consequence: missense variant. On other transcripts: non-coding transcript variant (5).
Genome position (GRCh38, 1-based): chr17:50,575,933, A>G. VCF-style: chr17-50575933-A-G. GRCh37 (hg19) VCF-style: chr17-48653294-A-G.
Other names: c.1531A>G (NM_018896.3); c.1531A>G, p.Thr511Ala (NM_001256324.2, NM_001256325.2, NM_001256326.2 and 24 more transcripts); short protein forms T511A.
Identifiers: ClinVar variation 1938414 (VCV001938414.6), dbSNP rs749098197, ClinGen allele CA8652188.